The following is an entry in ClinVar:

ClinVar aggregate classification (germline): Uncertain significance (1 of 4 stars; one submission).

Conditions:
PCNT-related disorder. Also called: PCNT-related condition.

gnomAD v4.1: 10 of 1,613,980 alleles (0.00062%); highest among the groups gnomAD compares: East Asian, 0.0022%; no homozygotes.

Submission:

PreventionGenetics, part of Exact Sciences
Classification: Uncertain significance for PCNT-related condition. Last evaluated: 2026-09-18. Review status: criteria provided, single submitter. Criteria: ACMG Guidelines, 2015. Collection method: clinical testing. Allele origin: germline.
Comment: The PCNT c.4286G>A variant is predicted to result in the amino acid substitution p.Arg1429His. To our knowledge, this variant has not been reported in the literature or in a large population database (gnomAD), indicating this variant is rare. At this time, the clinical significance of this variant is uncertain due to the absence of conclusive functional and genetic evidence.

NM_006031.6(PCNT):c.4286G>A (p.Arg1429His)

Gene: PCNT (pericentrin; plus strand). Cytogenetic location: 21q22.3.
Variant type: single nucleotide variant.
Coding change: c.4286G>A on transcript NM_006031.6 (MANE Select); coding-DNA position 4286, G replaced by A.
Protein change: p.Arg1429His; replaces arginine 1429 with histidine.
Molecular consequence: missense variant.
Genome position (GRCh38, 1-based): chr21:46,397,334, G>A. VCF-style: chr21-46397334-G-A. GRCh37 (hg19) VCF-style: chr21-47817248-G-A.
Other names: c.3932G>A, p.Arg1311His (NM_001315529.2); short protein forms R1311H, R1429H.
Identifiers: ClinVar variation 4980308 (VCV004980308.1).